The following is an entry in ClinVar:

NM_001142864.4(PIEZO1):c.372T>C (p.Pro124=)

Gene: PIEZO1 (piezo type mechanosensitive ion channel component 1 (Er blood group); minus strand). Cytogenetic location: 16q24.3.
Variant type: single nucleotide variant.
Coding change: c.372T>C on transcript NM_001142864.4 (MANE Select); coding-DNA position 372, T replaced by C.
Protein change: p.Pro124=; no amino-acid change (proline 124 retained).
Molecular consequence: synonymous variant.
Genome position (GRCh38, 1-based): chr16:88,741,571, A>G on the plus strand (T>C on the coding strand, the complement: PIEZO1 is on the minus strand). VCF-style: chr16-88741571-A-G. GRCh37 (hg19) VCF-style: chr16-88807979-A-G.
Other names: p.Pro124=.
Identifiers: ClinVar variation 4684161 (VCV004684161.1).

ClinVar aggregate classification (germline): Likely benign (1 of 4 stars; one submission).

gnomAD v4.1: 3 of 1,535,630 alleles (0.0002%); highest among the groups gnomAD compares: Middle Eastern, 0.033%; no homozygotes.

Submission:

Mayo Clinic Laboratories, Mayo Clinic
Classification: Likely benign. Last evaluated: 2025-07-16. Review status: criteria provided, single submitter. Criteria: ACMG Guidelines, 2015. Collection method: clinical testing. Allele origin: germline. Observed: 1 variant allele.
Comment: BP4, BP7, PM2_supporting